The following is an entry in ClinVar:

NM_000057.4(BLM):c.3273T>G (p.His1091Gln)

Gene: BLM (BLM RecQ like helicase; plus strand). Cytogenetic location: 15q26.1.
Variant type: single nucleotide variant.
Coding change: c.3273T>G on transcript NM_000057.4 (MANE Select); coding-DNA position 3273, T replaced by G.
Protein change: p.His1091Gln; replaces histidine 1091 with glutamine.
Molecular consequence: missense variant.
Genome position (GRCh38, 1-based): chr15:90,798,252, T>G. VCF-style: chr15-90798252-T-G. GRCh37 (hg19) VCF-style: chr15-91341482-T-G.
Other names: c.3273T>G, p.His1091Gln (NM_001287246.2, NM_001287247.2); c.2148T>G, p.His716Gln (NM_001287248.2); short protein forms H716Q, H1091Q.
Identifiers: ClinVar variation 2566825 (VCV002566825.2), dbSNP rs2505534683, ClinGen allele CA393847235.

ClinVar aggregate classification (germline): Uncertain significance (1 of 4 stars; one submission).

Conditions:
Hereditary cancer-predisposing syndrome. Also called: Hereditary neoplastic syndrome; Hereditary Cancer Syndrome; Neoplastic Syndromes, Hereditary; Tumor predisposition. Identifiers: Orphanet 140162, MedGen C0027672, MeSH D009386, MONDO:0015356.

Submission:

Ambry Genetics
Classification: Uncertain significance for Hereditary cancer-predisposing syndrome. Last evaluated: 2023-05-16. Review status: criteria provided, single submitter. Criteria: Ambry Variant Classification Scheme 2023. Collection method: clinical testing. Allele origin: germline.
Comment: The p.H1091Q variant (also known as c.3273T>G), located in coding exon 16 of the BLM gene, results from a T to G substitution at nucleotide position 3273. The histidine at codon 1091 is replaced by glutamine, an amino acid with highly similar properties. This amino acid position is well conserved in available vertebrate species. In addition, this alteration is predicted to be tolerated by in silico analysis. Since supporting evidence is limited at this time, the clinical significance of this alteration remains unclear.